The following is an entry in ClinVar:

NM_032638.5(GATA2):c.562A>G (p.Thr188Ala)

Gene: GATA2 (GATA binding protein 2; minus strand). Cytogenetic location: 3q21.3.
Variant type: single nucleotide variant.
Coding change: c.562A>G on transcript NM_032638.5 (MANE Select); coding-DNA position 562, A replaced by G.
Protein change: p.Thr188Ala; replaces threonine 188 with alanine.
Molecular consequence: missense variant.
Genome position (GRCh38, 1-based): chr3:128,486,036, T>C on the plus strand (A>G on the coding strand, the complement: GATA2 is on the minus strand). VCF-style: chr3-128486036-T-C. GRCh37 (hg19) VCF-style: chr3-128204879-T-C.
Other names: c.562A>G, p.Thr188Ala (NM_001145661.2, NM_001145662.1); short protein forms T188A.
Identifiers: ClinVar variation 2950432 (VCV002950432.3), dbSNP rs2472930905, ClinGen allele CA354406510.

ClinVar aggregate classification (germline): Uncertain significance (1 of 4 stars; one submission).

Conditions:
Monocytopenia with susceptibility to infections. Also called: MONOCYTOPENIA AND MYCOBACTERIAL INFECTION SYNDROME; MONOCYTOPENIA WITH SUSCEPTIBILITY TO MYCOBACTERIAL, FUNGAL, AND PAPILLOMAVIRUS INFECTIONS AND MYELODYSPLASIA; COMBINED IMMUNODEFICIENCY WITH SUSCEPTIBILITY TO MYCOBACTERIAL, VIRAL, AND FUNGAL INFECTIONS; Dendritic cell, monocyte, B lymphocyte, and natural killer lymphocyte deficiency; IMMUNODEFICIENCY 21; GATA2 DEFICIENCY. Identifiers: Orphanet 228423, MedGen C3280030, MONDO:0013607, OMIM 614172.
Deafness-lymphedema-leukemia syndrome. Also called: Lymphedema, primary, with myelodysplasia; Emberger syndrome. Identifiers: Orphanet 3226, MedGen C3279664, MONDO:0013540, OMIM 614038.

Submission:

Labcorp Genetics (formerly Invitae), Labcorp
Classification: Uncertain significance for Monocytopenia with susceptibility to infections; Deafness-lymphedema-leukemia syndrome. Last evaluated: 2023-07-29. Review status: criteria provided, single submitter. Criteria: Invitae Variant Classification Sherloc (09022015). Collection method: clinical testing. Allele origin: germline.
Comment: In summary, the available evidence is currently insufficient to determine the role of this variant in disease. Therefore, it has been classified as a Variant of Uncertain Significance. Advanced modeling of protein sequence and biophysical properties (such as structural, functional, and spatial information, amino acid conservation, physicochemical variation, residue mobility, and thermodynamic stability) performed at Invitae indicates that this missense variant is not expected to disrupt GATA2 protein function. This variant has not been reported in the literature in individuals affected with GATA2-related conditions. This variant is not present in population databases (gnomAD no frequency). This sequence change replaces threonine, which is neutral and polar, with alanine, which is neutral and non-polar, at codon 188 of the GATA2 protein (p.Thr188Ala).